The following is an entry in ClinVar:

NM_000528.4(MAN2B1):c.1517C>A (p.Thr506Lys)

Gene: MAN2B1 (mannosidase alpha class 2B member 1; minus strand). Cytogenetic location: 19p13.13.
Variant type: single nucleotide variant.
Coding change: c.1517C>A on transcript NM_000528.4 (MANE Select); coding-DNA position 1517, C replaced by A.
Protein change: p.Thr506Lys; replaces threonine 506 with lysine.
Molecular consequence: missense variant.
Genome position (GRCh38, 1-based): chr19:12,656,959, G>T on the plus strand (C>A on the coding strand, the complement: MAN2B1 is on the minus strand). VCF-style: chr19-12656959-G-T. GRCh37 (hg19) VCF-style: chr19-12767773-G-T.
Other names: c.1517C>A (NM_000528.3); c.1514C>A, p.Thr505Lys (NM_001173498.2); short protein forms T505K, T506K.
Identifiers: ClinVar variation 1400389 (VCV001400389.4), dbSNP rs139255957, ClinGen allele CA305470343.

ClinVar aggregate classification (germline): Uncertain significance. Review status: criteria provided, multiple submitters, no conflicts (2 of 4 stars). 2 submissions from 2 submitters: Uncertain significance (2). Last evaluated 2024-06-02.

Conditions:
Inborn genetic diseases. Identifiers: MedGen C0950123, MeSH D030342.
Deficiency of alpha-mannosidase (MANSA). Also called: Mannosidosis, alpha-, types I and II; Alpha-Mannosidosis; LYSOSOMAL ALPHA-D-MANNOSIDASE DEFICIENCY. Identifiers: Orphanet 61, MedGen C0024748, MONDO:0009561, OMIM 248500.

Allele frequency attached by ClinVar (database versions not stated): ESP Exome Variant Server 0.00008.

Submissions (2):

Ambry Genetics
Classification: Uncertain significance for Inborn genetic diseases. Last evaluated: 2024-06-02. Review status: criteria provided, single submitter. Criteria: Ambry Variant Classification Scheme 2023. Collection method: clinical testing. Allele origin: germline.

Labcorp Genetics (formerly Invitae), Labcorp
Classification: Uncertain significance for Deficiency of alpha-mannosidase. Last evaluated: 2022-08-16. Review status: criteria provided, single submitter. Criteria: Invitae Variant Classification Sherloc (09022015). Collection method: clinical testing. Allele origin: germline.
Comment: This sequence change replaces threonine, which is neutral and polar, with lysine, which is basic and polar, at codon 506 of the MAN2B1 protein (p.Thr506Lys). The frequency data for this variant in the population databases is considered unreliable, as metrics indicate poor data quality at this position in the gnomAD database. This variant has not been reported in the literature in individuals affected with MAN2B1-related conditions. ClinVar contains an entry for this variant (Variation ID: 1400389). Algorithms developed to predict the effect of missense changes on protein structure and function output the following: SIFT: "Tolerated"; PolyPhen-2: "Benign"; Align-GVGD: "Class C0". The lysine amino acid residue is found in multiple mammalian species, which suggests that this missense change does not adversely affect protein function. In summary, the available evidence is currently insufficient to determine the role of this variant in disease. Therefore, it has been classified as a Variant of Uncertain Significance.